The following is an entry in ClinVar:

NM_001701.4(BAAT):c.*459G>A

Gene: BAAT (bile acid-CoA:amino acid N-acyltransferase; minus strand). Cytogenetic location: 9q31.1.
Variant type: single nucleotide variant.
Coding change: c.*459G>A on transcript NM_001701.4 (MANE Select); 459 bases downstream of the stop codon, G replaced by A.
Molecular consequence: 3 prime UTR variant.
Genome position (GRCh38, 1-based): chr9:101,361,969, C>T on the plus strand (G>A on the coding strand, the complement: BAAT is on the minus strand). VCF-style: chr9-101361969-C-T. GRCh37 (hg19) VCF-style: chr9-104124251-C-T.
Other names: c.*459G>A (NM_001127610.2, NM_001374715.1).
Identifiers: ClinVar variation 364272 (VCV000364272.5), dbSNP rs41281023, ClinGen allele CA10631938.

ClinVar aggregate classification (germline): Likely benign (1 of 4 stars; one submission).

Conditions:
Hypercholanemia, familial 1 (FHCA1). Identifiers: Orphanet 238475, MedGen C5542604, MONDO:0031446, OMIM 607748.

Allele frequency attached by ClinVar (database versions not stated): 1000 Genomes Project 30x 0.00328; 1000 Genomes Project 0.00359; TOPMed 0.00446; gnomAD 0.00489 and 0.00491; gnomAD exomes 0.00509.
gnomAD v4.1: 827 of 170,324 alleles (0.49%); highest among the groups gnomAD compares: Non-Finnish European, 0.75%; 5 homozygotes.

Submission:

Illumina Laboratory Services, Illumina
Classification: Likely benign for Hypercholanemia, familial 1. Last evaluated: 2018-01-13. Review status: criteria provided, single submitter. Criteria: ICSL Variant Classification Criteria 13 December 2019. Collection method: clinical testing. Allele origin: germline.
Comment: This variant was observed in the ICSL laboratory as part of a predisposition screen in an ostensibly healthy population. It had not been previously curated by ICSL or reported in the Human Gene Mutation Database (HGMD: prior to June 1st, 2018), and was therefore a candidate for classification through an automated scoring system. Utilizing variant allele frequency, disease prevalence and penetrance estimates, and inheritance mode, an automated score was calculated to assess if this variant is too frequent to cause the disease. Based on the score and internal cut-off values, a variant classified as likely benign is not then subjected to further curation. The score for this variant resulted in a classification of likely benign for this disease.